The following is an entry in ClinVar:

ClinVar aggregate classification (germline): Uncertain significance (1 of 4 stars; one submission).

Conditions:
Craniosynostosis 4 (CRS4). Identifiers: MedGen C3806917, MONDO:0010929, OMIM 600775.
Chitayat syndrome (CHYTS). Identifiers: MedGen C4310679, MONDO:0014956, OMIM 617180.

Submission:

Juno Genomics, Hangzhou Juno Genomics, Inc
Classification: Uncertain significance for Chitayat syndrome; Craniosynostosis 4. Review status: criteria provided, single submitter. Criteria: ACMG Guidelines, 2015. Collection method: clinical testing. Allele origin: germline.
Comment: Absent from controls (or at extremely low frequency if recessive) in Genome Aggregation Database.;Multiple lines of computational evidence support a deleterious effect on the gene or gene product.

NM_006494.4(ERF):c.241C>G (p.Leu81Val)

Gene: ERF (ETS2 repressor factor; minus strand). Cytogenetic location: 19q13.2.
Variant type: single nucleotide variant.
Coding change: c.241C>G on transcript NM_006494.4 (MANE Select); coding-DNA position 241, C replaced by G.
Protein change: p.Leu81Val; replaces leucine 81 with valine.
Molecular consequence: missense variant. On other transcripts: intron variant (1).
Genome position (GRCh38, 1-based): chr19:42,250,347, G>C on the plus strand (C>G on the coding strand, the complement: ERF is on the minus strand). VCF-style: chr19-42250347-G-C. GRCh37 (hg19) VCF-style: chr19-42754499-G-C.
Other names: c.16C>G, p.Leu6Val (NM_001301035.2, NM_001308402.2, NM_001312656.2 and 1 more transcripts); c.-550-405C>G (NM_001440421.1); short protein forms L6V, L81V.
Identifiers: ClinVar variation 5005999 (VCV005005999.2).